The following is an entry in ClinVar:

Conditions:
Long QT syndrome 5 (LQT5). Identifiers: Orphanet 101016, Orphanet 768, MedGen C1867904, MONDO:0013372, OMIM 613695.

Submission:

Roden Lab, Vanderbilt University Medical Center
No classification provided (evidence only). Condition: Long QT syndrome 5. Review status: no classification provided. Collection method: in vitro. Allele origin: not applicable. Functional consequence: Effect on ion channel function.
ClinVar note: "not provided" was previously submitted as the classification for the variant. However, the classification appeared to be based only on an observation of functional data so it was converted to no classification on 2025-07-30.

NM_000219.6(KCNE1):c.355A>G (p.Asn119Asp)

Gene: KCNE1 (potassium voltage-gated channel subfamily E regulatory subunit 1; minus strand). Cytogenetic location: 21q22.12.
Variant type: single nucleotide variant.
Coding change: c.355A>G on transcript NM_000219.6 (MANE Select); coding-DNA position 355, A replaced by G.
Protein change: p.Asn119Asp; replaces asparagine 119 with aspartic acid.
Molecular consequence: missense variant.
Genome position (GRCh38, 1-based): chr21:34,449,280, T>C on the plus strand (A>G on the coding strand, the complement: KCNE1 is on the minus strand). VCF-style: chr21-34449280-T-C. GRCh37 (hg19) VCF-style: chr21-35821578-T-C.
Other names: c.355A>G, p.Asn119Asp (NM_001127668.4, NM_001127669.4, NM_001127670.4 and 4 more transcripts); short protein forms N119D.
Identifiers: ClinVar variation 3373795 (VCV003373795.2).